The following is an entry in ClinVar:

ClinVar aggregate classification (germline): Pathogenic (1 of 4 stars; one submission).

Submission:

Labcorp Genetics (formerly Invitae), Labcorp
Classification: Pathogenic. Last evaluated: 2022-03-11. Review status: criteria provided, single submitter. Criteria: Invitae Variant Classification Sherloc (09022015). Collection method: clinical testing. Allele origin: germline.
Comment: This variant is not present in population databases (gnomAD no frequency). This sequence change creates a premature translational stop signal (p.Tyr256*) in the DDR2 gene. It is expected to result in an absent or disrupted protein product. Loss-of-function variants in DDR2 are known to be pathogenic (PMID: 11375938, 29884795). For these reasons, this variant has been classified as Pathogenic. This variant has not been reported in the literature in individuals affected with DDR2-related conditions.

Literature cited by the submitters: PubMed 11375938; PubMed 29884795.

NM_006182.4(DDR2):c.768T>A (p.Tyr256Ter)

Gene: DDR2 (discoidin domain receptor tyrosine kinase 2; plus strand). Cytogenetic location: 1q23.3.
Variant type: single nucleotide variant.
Coding change: c.768T>A on transcript NM_006182.4 (MANE Select); coding-DNA position 768, T replaced by A.
Protein change: p.Tyr256Ter; replaces tyrosine 256 with a stop codon.
Molecular consequence: nonsense.
Genome position (GRCh38, 1-based): chr1:162,759,892, T>A. VCF-style: chr1-162759892-T-A. GRCh37 (hg19) VCF-style: chr1-162729682-T-A.
Other names: c.768T>A, p.Tyr256Ter (NM_001014796.3, NM_001354982.2, NM_001354983.2); short protein forms Y256*.
Identifiers: ClinVar variation 2108672 (VCV002108672.4), dbSNP rs1663633174, ClinGen allele CA343408472.
Genomic context (GRCh38, chr1:162,759,892, plus strand): 5'-GTCTGGCCTGGACGATTTCACCCAGACCCATGAATACCACGTGTGGCCCGGCTATGACTA[T>A]GTGGGCTGGCGGAACGAGAGTGCCACCAATGGCTACATTGAGATCATGTTTGAATTTGAC-3'